The following is an entry in ClinVar:

ClinVar aggregate classification (germline): Pathogenic/Likely pathogenic. Review status: criteria provided, multiple submitters, no conflicts (2 of 4 stars). 5 submissions from 5 submitters: Pathogenic (2); Likely pathogenic (2). 1 of the submissions does not count toward it. Last evaluated 2025-04-11.

Conditions:
Charcot-Marie-Tooth disease axonal type 2T. Identifiers: Orphanet 443950, MedGen C4015635, OMIM 617017, MONDO:0014866.

Allele frequency attached by ClinVar (database versions not stated): gnomAD exomes below 0.00001 and 0.00001; ExAC 0.00001; gnomAD 0.00001; TOPMed 0.00002.
gnomAD v4.1: 21 of 1,610,110 alleles (0.0013%); highest among the groups gnomAD compares: Non-Finnish European, 0.0018%; no homozygotes.

Submissions (5):

Labcorp Genetics (formerly Invitae), Labcorp
Classification: Likely pathogenic. Last evaluated: 2025-04-11. Review status: criteria provided, single submitter. Criteria: Invitae Variant Classification Sherloc (09022015). Collection method: clinical testing. Allele origin: germline.
Comment: This sequence change affects an acceptor splice site in intron 18 of the MME gene. It is expected to disrupt RNA splicing. Variants that disrupt the donor or acceptor splice site typically lead to a loss of protein function (PMID: 16199547), and loss-of-function variants in MME are known to be pathogenic (PMID: 26991897). The frequency data for this variant in the population databases is considered unreliable, as metrics indicate poor data quality at this position in the gnomAD database. This variant has not been reported in the literature in individuals affected with MME-related conditions. ClinVar contains an entry for this variant (Variation ID: 453058). Algorithms developed to predict the effect of sequence changes on RNA splicing suggest that this variant may disrupt the consensus splice site. In summary, the currently available evidence indicates that the variant is pathogenic, but additional data are needed to prove that conclusively. Therefore, this variant has been classified as Likely Pathogenic.

Institute of Immunology and Genetics Kaiserslautern
Classification: Likely pathogenic for Charcot-Marie-Tooth disease axonal type 2T. Last evaluated: 2024-04-16. Review status: criteria provided, single submitter. Criteria: ACMG Guidelines, 2015. Collection method: clinical testing. Allele origin: germline. Affected: yes.
Comment: ACMG Criteria: PVS1_S, PM2, PP5; Variant was found in heterozygous state

CeGaT Center for Human Genetics Tuebingen
Classification: Pathogenic. Last evaluated: 2023-01-01. Review status: criteria provided, single submitter. Criteria: CeGaT Center For Human Genetics Tuebingen Variant Classification Criteria Version 2. Collection method: clinical testing. Allele origin: germline. Affected: yes. Observed: 2 variant alleles.
Comment: MME: PVS1, PM2

GeneDx
Classification: Pathogenic. Last evaluated: 2022-04-07. Review status: criteria provided, single submitter. Criteria: GeneDx Variant Classification Process June 2021. Collection method: clinical testing. Allele origin: germline. Affected: yes.
Comment: Reported as an autosomal recessive single heterozygous likely pathogenic variant in a proband undergoing whole exome sequencing in published literature, however the phenotype of this individual was not provided (Hou et al., 2020); Canonical splice site variant predicted to result in a null allele in a gene for which loss of function is a known mechanism of disease; Not observed at significant frequency in large population cohorts (gnomAD); This variant is associated with the following publications: (PMID: 31980526)

Clinical Genetics Laboratory, University Hospital Schleswig-Holstein
Classification: Likely pathogenic for Charcot-Marie-Tooth disease axonal type 2T. Last evaluated: 2022-04-05. Review status: no assertion criteria provided. Collection method: clinical testing. Allele origin: germline. Affected: yes. Not counted in ClinVar's aggregate classification.

Literature cited by the submitters: PubMed 16199547 (cited by Labcorp Genetics (formerly Invitae), Labcorp); PubMed 26991897 (cited by Labcorp Genetics (formerly Invitae), Labcorp).

NM_007289.4(MME):c.1781-2A>G

Gene: MME (membrane metalloendopeptidase; plus strand). Cytogenetic location: 3q25.2.
Variant type: single nucleotide variant.
Coding change: c.1781-2A>G on transcript NM_007289.4 (MANE Select); the canonical splice acceptor site of the intron before coding-DNA position 1781, A replaced by G.
Molecular consequence: splice acceptor variant.
Genome position (GRCh38, 1-based): chr3:155,168,490, A>G. VCF-style: chr3-155168490-A-G. GRCh37 (hg19) VCF-style: chr3-154886279-A-G.
Other names: c.1781-2A>G (NM_001354642.2, NM_000902.5, NM_007287.4 and 2 more transcripts).
Identifiers: ClinVar variation 453058 (VCV000453058.49), dbSNP rs765231758, ClinGen allele CA2675637.
Genomic context (GRCh38, chr3:155,168,490, plus strand): 5'-AAACATATCTTATAATTCTTGTTGCAATGAGTTCCCATTTTACTTAAATAAATATATTAT[A>G]GGCAGAAACTTTAACAAAGATGGAGACCTCGTTGACTGGTGGACTCAACAGTCTGCAAGT-3'